The following is an entry in ClinVar:

NM_000038.6(APC):c.7396T>C (p.Ser2466Pro)

Gene: APC (APC regulator of Wnt signaling pathway; plus strand). Cytogenetic location: 5q22.2.
Variant type: single nucleotide variant.
Coding change: c.7396T>C on transcript NM_000038.6 (MANE Select); coding-DNA position 7396, T replaced by C.
Protein change: p.Ser2466Pro; replaces serine 2466 with proline.
Molecular consequence: missense variant.
Genome position (GRCh38, 1-based): chr5:112,842,990, T>C. VCF-style: chr5-112842990-T-C. GRCh37 (hg19) VCF-style: chr5-112178687-T-C.
Other names: c.7396T>C, p.Ser2466Pro (NM_001127510.3, NM_001354895.2); c.7342T>C, p.Ser2448Pro (NM_001127511.3); c.7450T>C, p.Ser2484Pro (NM_001354896.2); c.7426T>C, p.Ser2476Pro (NM_001354897.2); c.7321T>C, p.Ser2441Pro (NM_001354898.2); c.7312T>C, p.Ser2438Pro (NM_001354899.2); c.7273T>C, p.Ser2425Pro (NM_001354900.2); c.7219T>C, p.Ser2407Pro (NM_001354901.2); and 5 more; short protein forms S2448P, S2466P, S2365P, S2375P, S2183P, S2306P, S2441P, S2476P.
Identifiers: ClinVar variation 186808 (VCV000186808.20), dbSNP rs786203234, ClinGen allele CA013643.

ClinVar aggregate classification (germline): Uncertain significance. Review status: criteria provided, multiple submitters, no conflicts (2 of 4 stars). 5 submissions from 5 submitters: Uncertain significance (4). 1 of the submissions does not count toward it. Last evaluated 2024-12-03.

Conditions:
Hereditary cancer-predisposing syndrome. Also called: Neoplastic Syndromes, Hereditary; Tumor predisposition; Hereditary Cancer Syndrome; Hereditary neoplastic syndrome. Identifiers: Orphanet 140162, MedGen C0027672, MeSH D009386, MONDO:0015356.
Familial adenomatous polyposis 1 (FAP1). Also called: FAMILIAL ADENOMATOUS POLYPOSIS 1, ATTENUATED; POLYPOSIS, ADENOMATOUS INTESTINAL. Identifiers: MedGen C2713442, MONDO:0021056, OMIM 175100. Disease mechanism: loss of function.

Allele frequency attached by ClinVar (database versions not stated): gnomAD exomes below 0.00001; gnomAD 0.00001.
gnomAD v4.1: 2 of 1,613,952 alleles (0.00012%); highest among the groups gnomAD compares: African/African-American, 0.0013%; no homozygotes.

Submissions (5):

Ambry Genetics
Classification: Uncertain significance for Hereditary cancer-predisposing syndrome. Last evaluated: 2024-12-03. Review status: criteria provided, single submitter. Criteria: Ambry Variant Classification Scheme 2023. Collection method: clinical testing. Allele origin: germline.
Comment: The p.S2466P variant (also known as c.7396T>C), located in coding exon 15 of the APC gene, results from a T to C substitution at nucleotide position 7396. The serine at codon 2466 is replaced by proline, an amino acid with similar properties. This amino acid position is highly conserved in available vertebrate species. In addition, in silico predictors for this gene do not accurately predict pathogenicity. Missense alterations in APC are not a common cause of disease (Spier I et al. Genet Med. 2024 Feb;26(2):100992). Based on the available evidence, the clinical significance of this variant remains unclear.

Labcorp Genetics (formerly Invitae), Labcorp
Classification: Uncertain significance for Familial adenomatous polyposis 1. Last evaluated: 2024-05-04. Review status: criteria provided, single submitter. Criteria: Invitae Variant Classification Sherloc (09022015). Collection method: clinical testing. Allele origin: germline.
Comment: This sequence change replaces serine, which is neutral and polar, with proline, which is neutral and non-polar, at codon 2466 of the APC protein (p.Ser2466Pro). This variant is not present in population databases (gnomAD no frequency). This variant has not been reported in the literature in individuals affected with APC-related conditions. ClinVar contains an entry for this variant (Variation ID: 186808). Advanced modeling of protein sequence and biophysical properties (such as structural, functional, and spatial information, amino acid conservation, physicochemical variation, residue mobility, and thermodynamic stability) performed at Invitae indicates that this missense variant is not expected to disrupt APC protein function with a negative predictive value of 95%. In summary, the available evidence is currently insufficient to determine the role of this variant in disease. Therefore, it has been classified as a Variant of Uncertain Significance.

Myriad Genetics, Inc.
Classification: Uncertain significance for Familial adenomatous polyposis 1. Last evaluated: 2023-02-16. Review status: criteria provided, single submitter. Criteria: Myriad Autosomal Dominant, Autosomal Recessive and X-Linked Classification Criteria (2023). Collection method: clinical testing. Allele origin: unknown.
Comment: This variant is classified as a variant of uncertain significance as there is insufficient evidence to determine its impact on protein function and/or cancer risk.

Color Diagnostics, LLC DBA Color Health
Classification: Uncertain significance for Hereditary cancer-predisposing syndrome. Last evaluated: 2020-05-26. Review status: criteria provided, single submitter. Criteria: ACMG Guidelines, 2015. Collection method: clinical testing. Allele origin: germline.
Comment: This missense variant replaces serine with proline at codon 2466 of the APC protein. Computational prediction suggests that this variant may not impact protein structure and function (internally defined REVEL score threshold <= 0.5, PMID: 27666373). To our knowledge, functional studies have not been reported for this variant. This variant has not been reported in individuals affected with hereditary cancer in the literature. This variant has not been identified in the general population by the Genome Aggregation Database (gnomAD). The available evidence is insufficient to determine the role of this variant in disease conclusively. Therefore, this variant is classified as a Variant of Uncertain Significance.

Counsyl
Classification: Uncertain significance for Familial adenomatous polyposis 1. Last evaluated: 2016-01-27. Review status: no assertion criteria provided. Collection method: clinical testing. Allele origin: unknown. Not counted in ClinVar's aggregate classification.